The following is an entry in ClinVar:

ClinVar aggregate classification (germline): Uncertain significance. Review status: criteria provided, multiple submitters, no conflicts (2 of 4 stars). 5 submissions from 4 submitters: Uncertain significance (5). Last evaluated 2025-01-29.

Conditions:
PDE6B-related disorder. Also called: PDE6B-related disorders; PDE6B-related disease; PDE6B-related condition.
Retinitis pigmentosa (RP). Identifiers: Orphanet 791, MedGen C0035334, MeSH D012174, MONDO:0019200, OMIM 268000. Inheritance: Autosomal dominant, autosomal recessive and X linked inheritance.
Congenital stationary night blindness autosomal dominant 2. Also called: NIGHT BLINDNESS, CONGENITAL STATIONARY, RAMBUSCH TYPE. Identifiers: Orphanet 215, MedGen C1876182, MONDO:0008099, OMIM 163500.

Allele frequency attached by ClinVar (database versions not stated): gnomAD exomes 0.00001 and 0.00003; ExAC 0.00002; TOPMed 0.00003; gnomAD 0.00004.
gnomAD v4.1: 21 of 1,603,516 alleles (0.0013%); highest among the groups gnomAD compares: Middle Eastern, 0.033%; 1 homozygote.

Submissions (5):

Labcorp Genetics (formerly Invitae), Labcorp
Classification: Uncertain significance. Last evaluated: 2025-01-29. Review status: criteria provided, single submitter. Criteria: Invitae Variant Classification Sherloc (09022015). Collection method: clinical testing. Allele origin: germline.
Comment: This sequence change replaces threonine, which is neutral and polar, with methionine, which is neutral and non-polar, at codon 233 of the PDE6B protein (p.Thr233Met). This variant is present in population databases (rs752852029, gnomAD 0.03%), including at least one homozygous and/or hemizygous individual. This missense change has been observed in individual(s) with autosomal recessive retinitis pigmentosa (PMID: 30029497). ClinVar contains an entry for this variant (Variation ID: 349313). Invitae Evidence Modeling of protein sequence and biophysical properties (such as structural, functional, and spatial information, amino acid conservation, physicochemical variation, residue mobility, and thermodynamic stability) has been performed for this missense variant. However, the output from this modeling did not meet the statistical confidence thresholds required to predict the impact of this variant on PDE6B protein function. In summary, the available evidence is currently insufficient to determine the role of this variant in disease. Therefore, it has been classified as a Variant of Uncertain Significance.

PreventionGenetics, part of Exact Sciences
Classification: Uncertain significance for PDE6B-related condition. Last evaluated: 2024-12-27. Review status: criteria provided, single submitter. Criteria: ACMG Guidelines, 2015. Collection method: clinical testing. Allele origin: germline.
Comment: The PDE6B c.698C>T variant is predicted to result in the amino acid substitution p.Thr233Met. This variant has been reported in the compound heterozygous state in an individual with retinitis pigmentosa (Table S1, Wang et al. 2018. PubMed ID: 30029497). This variant is reported in 0.030% of alleles in individuals of East Asian descent in gnomAD.This variant is reported in 0.030% of alleles in individuals of East Asian descent in gnomAD. At this time, the clinical significance of this variant is uncertain due to the absence of conclusive functional and genetic evidence.

Blueprint Genetics
Classification: Uncertain significance. Last evaluated: 2022-12-01. Review status: criteria provided, single submitter. Criteria: ACMG Guidelines, 2015. Collection method: clinical testing. Allele origin: germline.

Illumina Laboratory Services, Illumina
Classification: Uncertain significance for Congenital stationary night blindness autosomal dominant 2. Last evaluated: 2018-01-13. Review status: criteria provided, single submitter. Criteria: ICSL Variant Classification Criteria 13 December 2019. Collection method: clinical testing. Allele origin: germline.

Illumina Laboratory Services, Illumina
Classification: Uncertain significance for Retinitis pigmentosa. Last evaluated: 2018-01-13. Review status: criteria provided, single submitter. Criteria: ICSL Variant Classification Criteria 13 December 2019. Collection method: clinical testing. Allele origin: germline.

Literature cited by the submitters: PubMed 30029497 (cited by Labcorp Genetics (formerly Invitae), Labcorp).

NM_000283.4(PDE6B):c.698C>T (p.Thr233Met)

Gene: PDE6B (phosphodiesterase 6B; plus strand). Cytogenetic location: 4p16.3.
Variant type: single nucleotide variant.
Coding change: c.698C>T on transcript NM_000283.4 (MANE Select); coding-DNA position 698, C replaced by T.
Protein change: p.Thr233Met; replaces threonine 233 with methionine.
Molecular consequence: missense variant.
Genome position (GRCh38, 1-based): chr4:635,956, C>T. VCF-style: chr4-635956-C-T. GRCh37 (hg19) VCF-style: chr4-629745-C-T.
Other names: c.698C>T, p.Thr233Met (NM_001145291.2); short protein forms T233M.
Identifiers: ClinVar variation 349313 (VCV000349313.16), dbSNP rs752852029, ClinGen allele CA2794055.